The following is an entry in ClinVar:

NM_015404.4(WHRN):c.2561A>G (p.Asn854Ser)

Gene: WHRN (whirlin; minus strand). Cytogenetic location: 9q32.
Variant type: single nucleotide variant.
Coding change: c.2561A>G on transcript NM_015404.4 (MANE Select); coding-DNA position 2561, A replaced by G.
Protein change: p.Asn854Ser; replaces asparagine 854 with serine.
Molecular consequence: missense variant.
Genome position (GRCh38, 1-based): chr9:114,402,917, T>C on the plus strand (A>G on the coding strand, the complement: WHRN is on the minus strand). VCF-style: chr9-114402917-T-C. GRCh37 (hg19) VCF-style: chr9-117165197-T-C.
Other names: c.1412A>G, p.Asn471Ser (NM_001083885.3); c.2558A>G, p.Asn853Ser (NM_001173425.2); c.1508A>G, p.Asn503Ser (NM_001346890.1); short protein forms N471S, N503S, N853S, N854S.
Identifiers: ClinVar variation 3769954 (VCV003769954.1).
Genomic context (GRCh38, chr9:114,402,917, plus strand): 5'-CCCCGAAGCGTCAGCCCATTCACTTCCAGAATCACGTGGCCCACCTTGAGCTGCCCACAG[T>C]TGTGAGCTGAGCCGCCTCTCTGCAGGGAGGAGACACAGGGCATGGGGTGCCCAAGGGTTA-3'
Protein context (NP_056219.3, residues 844-864): VTIQRGGSAH[Asn854Ser]CGQLKVGHVI

ClinVar aggregate classification (germline): Uncertain significance (1 of 4 stars; one submission).

gnomAD v4.1: 1 of 1,612,492 alleles (0.000062%); highest among the groups gnomAD compares: African/African-American, 0.0013%; no homozygotes.

Submission:

GeneDx
Classification: Uncertain significance. Last evaluated: 2024-09-11. Review status: criteria provided, single submitter. Criteria: GeneDx Variant Classification Process June 2021. Collection method: clinical testing. Allele origin: germline. Affected: yes.
Comment: Not observed at significant frequency in large population cohorts (gnomAD); In silico analysis indicates that this missense variant does not alter protein structure/function; Has not been previously published as pathogenic or benign to our knowledge